The following is an entry in ClinVar:

ClinVar aggregate classification (germline): Uncertain significance (1 of 4 stars; one submission).

Conditions:
Inborn genetic diseases. Identifiers: MedGen C0950123, MeSH D030342.

gnomAD v4.1: 24 of 1,614,146 alleles (0.0015%); highest among the groups gnomAD compares: Non-Finnish European, 0.002%; no homozygotes.

Submission:

Ambry Genetics
Classification: Uncertain significance for Inborn genetic diseases. Last evaluated: 2026-06-29. Review status: criteria provided, single submitter. Criteria: Ambry Variant Classification Scheme 2023. Collection method: clinical testing. Allele origin: germline.
Comment: The c.599C>T (p.P200L) alteration is located in exon 6 (coding exon 5) of the CTNNA2 gene. This alteration results from a C to T substitution at nucleotide position 599, causing the proline (P) at amino acid position 200 to be replaced by a leucine (L). Based on data from gnomAD, the T allele has an overall frequency of <0.001% (1/248982) total alleles studied. The highest observed frequency was 0.001% (1/112838) of European (non-Finnish) alleles. Based on insufficient or conflicting evidence, the clinical significance of this alteration remains unclear.

NM_001282597.3(CTNNA2):c.599C>T (p.Pro200Leu)

Gene: CTNNA2 (catenin alpha 2; plus strand). Cytogenetic location: 2p12.
Variant type: single nucleotide variant.
Coding change: c.599C>T on transcript NM_001282597.3 (MANE Select); coding-DNA position 599, C replaced by T.
Protein change: p.Pro200Leu; replaces proline 200 with leucine.
Molecular consequence: missense variant.
Genome position (GRCh38, 1-based): chr2:79,874,089, C>T. VCF-style: chr2-79874089-C-T. GRCh37 (hg19) VCF-style: chr2-80101215-C-T.
Other names: c.599C>T, p.Pro200Leu (NM_001164883.2, NM_001399737.1, NM_004389.4); c.701C>T, p.Pro234Leu (NM_001282598.2); short protein forms P200L, P234L.
Identifiers: ClinVar variation 5035023 (VCV005035023.1).
Genomic context (GRCh38, chr2:79,874,089, plus strand): 5'-TATGCAAATTTCATGTGTGTGACAGCTTTCATGTGTTACACACACAGGAGCTGAAGGATC[C>T]TCACTGTCGGGATGAGATGGCAGCCGCCCGAGGGGCTCTGAAGAAGAATGCCACAATGCT-3'
Protein context (NP_001269526.1, residues 190-210): AARRQQELKD[Pro200Leu]HCRDEMAAAR